The following is an entry in ClinVar:

NM_003227.4(TFR2):c.2172A>G (p.Pro724=)

Gene: TFR2 (transferrin receptor 2; minus strand). Cytogenetic location: 7q22.1.
Variant type: single nucleotide variant.
Coding change: c.2172A>G on transcript NM_003227.4 (MANE Select); coding-DNA position 2172, A replaced by G.
Protein change: p.Pro724=; no amino-acid change (proline 724 retained).
Molecular consequence: synonymous variant.
Genome position (GRCh38, 1-based): chr7:100,621,091, T>C on the plus strand (A>G on the coding strand, the complement: TFR2 is on the minus strand). VCF-style: chr7-100621091-T-C. GRCh37 (hg19) VCF-style: chr7-100218714-T-C.
Other names: c.1659A>G, p.Pro553= (NM_001206855.3).
Identifiers: ClinVar variation 358286 (VCV000358286.59), dbSNP rs141140309, ClinGen allele CA4386194.
Genomic context (GRCh38, chr7:100,621,091, plus strand): 5'-CAGGGCGCCCAGCGTGTGGTCTCCACGGCCCATGAAGATGTGGCGGAACGGGGAGTCGGC[T>C]GGCGACACGTACTGGGAAAGGAAGTAGAACTCCACCTGCGCAGAGAGGGGGATCAGGTCA-3'
Protein context (NP_003218.2, residues 714-734): EFYFLSQYVS[Pro724=]ADSPFRHIFM

ClinVar aggregate classification (germline): Conflicting classifications of pathogenicity. Review status: criteria provided, conflicting classifications (1 of 4 stars). 5 submissions from 5 submitters: Uncertain significance (1); Benign (1); Likely benign (2). 1 of the submissions does not count toward it. Last evaluated 2026-02-03.

Conditions:
Hereditary hemochromatosis (HFE). Identifiers: MedGen C0392514, MONDO:0006507. Disease mechanism: loss of function.
Hemochromatosis type 3 (HFE3). Also called: Hereditary hemochromatosis type 3; HEMOCHROMATOSIS DUE TO DEFECT IN TRANSFERRIN RECEPTOR 2; TFR2-Related Hemochromatosis. Identifiers: Orphanet 225123, MedGen C1858664, MONDO:0011417, OMIM 604250.

Allele frequency attached by ClinVar (database versions not stated): 1000 Genomes Project 30x 0.00062; 1000 Genomes Project 0.00080; gnomAD exomes 0.00114 and 0.00219; gnomAD 0.00115 and 0.00121; TOPMed 0.00115; ESP Exome Variant Server 0.00118; ExAC 0.00166.
gnomAD v4.1: 3,164 of 1,539,742 alleles (0.21%); highest among the groups gnomAD compares: Non-Finnish European, 0.26%; 3 homozygotes.

Submissions (5):

Labcorp Genetics (formerly Invitae), Labcorp
Classification: Benign for Hereditary hemochromatosis. Last evaluated: 2026-02-03. Review status: criteria provided, single submitter. Criteria: Invitae Variant Classification Sherloc (09022015). Collection method: clinical testing. Allele origin: germline.

CeGaT Center for Human Genetics Tuebingen
Classification: Likely benign. Last evaluated: 2025-02-01. Review status: criteria provided, single submitter. Criteria: CeGaT Center For Human Genetics Tuebingen Variant Classification Criteria Version 2. Collection method: clinical testing. Allele origin: germline. Affected: yes. Observed: 2 variant alleles.
Comment: TFR2: BP4, BP7

Blueprint Genetics
Classification: Likely benign. Last evaluated: 2024-11-22. Review status: criteria provided, single submitter. Criteria: ACMG Guidelines, 2015. Collection method: clinical testing. Allele origin: germline.

Illumina Laboratory Services, Illumina
Classification: Uncertain significance for Hemochromatosis type 3. Last evaluated: 2018-01-13. Review status: criteria provided, single submitter. Criteria: ICSL Variant Classification Criteria 13 December 2019. Collection method: clinical testing. Allele origin: germline.

Natera, Inc.
Classification: Benign for Hereditary hemochromatosis type 3. Last evaluated: 2020-09-16. Review status: no assertion criteria provided. Collection method: clinical testing. Allele origin: germline. Not counted in ClinVar's aggregate classification.